The following is an entry in ClinVar:

NM_005477.3(HCN4):c.3310G>A (p.Ala1104Thr)

Gene: HCN4 (hyperpolarization activated cyclic nucleotide gated potassium channel 4; minus strand). Cytogenetic location: 15q24.1.
Variant type: single nucleotide variant.
Coding change: c.3310G>A on transcript NM_005477.3 (MANE Select); coding-DNA position 3310, G replaced by A.
Protein change: p.Ala1104Thr; replaces alanine 1104 with threonine.
Molecular consequence: missense variant.
Genome position (GRCh38, 1-based): chr15:73,322,783, C>T on the plus strand (G>A on the coding strand, the complement: HCN4 is on the minus strand). VCF-style: chr15-73322783-C-T. GRCh37 (hg19) VCF-style: chr15-73615124-C-T.
Other names: short protein forms A1104T.
Identifiers: ClinVar variation 1730087 (VCV001730087.4), dbSNP rs771606277, ClinGen allele CA7648848.

ClinVar aggregate classification (germline): Uncertain significance. Review status: criteria provided, multiple submitters, no conflicts (2 of 4 stars). 2 submissions from 2 submitters: Uncertain significance (2). Last evaluated 2024-09-30.

Conditions:
Brugada syndrome 8 (BRGDA8). Identifiers: Orphanet 130, MedGen C2751083, MONDO:0013148, OMIM 613123.
Cardiovascular phenotype. Identifiers: MedGen CN230736.

Allele frequency attached by ClinVar (database versions not stated): ExAC 0.00006.
gnomAD v4.1: 19 of 1,553,316 alleles (0.0012%); highest among the groups gnomAD compares: South Asian, 0.019%; no homozygotes.

Submissions (2):

Labcorp Genetics (formerly Invitae), Labcorp
Classification: Uncertain significance for Brugada syndrome 8. Last evaluated: 2024-09-30. Review status: criteria provided, single submitter. Criteria: Invitae Variant Classification Sherloc (09022015). Collection method: clinical testing. Allele origin: germline.
Comment: This sequence change replaces alanine, which is neutral and non-polar, with threonine, which is neutral and polar, at codon 1104 of the HCN4 protein (p.Ala1104Thr). This variant is present in population databases (rs771606277, gnomAD 0.02%). This variant has not been reported in the literature in individuals affected with HCN4-related conditions. ClinVar contains an entry for this variant (Variation ID: 1730087). Invitae Evidence Modeling of protein sequence and biophysical properties (such as structural, functional, and spatial information, amino acid conservation, physicochemical variation, residue mobility, and thermodynamic stability) indicates that this missense variant is not expected to disrupt HCN4 protein function with a negative predictive value of 95%. In summary, the available evidence is currently insufficient to determine the role of this variant in disease. Therefore, it has been classified as a Variant of Uncertain Significance.

Ambry Genetics
Classification: Uncertain significance for Cardiovascular phenotype. Last evaluated: 2021-07-22. Review status: criteria provided, single submitter. Criteria: Ambry Variant Classification Scheme 2023. Collection method: clinical testing. Allele origin: germline.
Comment: The p.A1104T variant (also known as c.3310G>A), located in coding exon 8 of the HCN4 gene, results from a G to A substitution at nucleotide position 3310. The alanine at codon 1104 is replaced by threonine, an amino acid with similar properties. This amino acid position is conserved. In addition, this alteration is predicted to be tolerated by in silico analysis. Since supporting evidence is limited at this time, the clinical significance of this alteration remains unclear.